The following is an entry in ClinVar:

ClinVar aggregate classification (germline): Uncertain significance. Review status: criteria provided, multiple submitters, no conflicts (2 of 4 stars). 2 submissions from 2 submitters: Uncertain significance (2). Last evaluated 2024-08-29.

Allele frequency attached by ClinVar (database versions not stated): gnomAD exomes below 0.00001 and 0.00001.
gnomAD v4.1: 2 of 1,614,092 alleles (0.00012%); highest among the groups gnomAD compares: Admixed American, 0.0033%; no homozygotes.

Submissions (2):

Labcorp Genetics (formerly Invitae), Labcorp
Classification: Uncertain significance. Last evaluated: 2024-08-29. Review status: criteria provided, single submitter. Criteria: Invitae Variant Classification Sherloc (09022015). Collection method: clinical testing. Allele origin: germline.
Comment: This sequence change replaces isoleucine, which is neutral and non-polar, with valine, which is neutral and non-polar, at codon 40 of the SLC10A2 protein (p.Ile40Val). This variant is present in population databases (no rsID available, gnomAD 0.006%). This variant has not been reported in the literature in individuals affected with SLC10A2-related conditions. ClinVar contains an entry for this variant (Variation ID: 1694091). Invitae Evidence Modeling of protein sequence and biophysical properties (such as structural, functional, and spatial information, amino acid conservation, physicochemical variation, residue mobility, and thermodynamic stability) indicates that this missense variant is not expected to disrupt SLC10A2 protein function with a negative predictive value of 80%. In summary, the available evidence is currently insufficient to determine the role of this variant in disease. Therefore, it has been classified as a Variant of Uncertain Significance.

Mayo Clinic Laboratories, Mayo Clinic
Classification: Uncertain significance. Last evaluated: 2021-07-27. Review status: criteria provided, single submitter. Criteria: ACMG Guidelines, 2015. Collection method: clinical testing. Allele origin: germline.

NM_000452.3(SLC10A2):c.118A>G (p.Ile40Val)

Gene: SLC10A2 (solute carrier family 10 member 2; minus strand). Cytogenetic location: 13q33.1.
Variant type: single nucleotide variant.
Coding change: c.118A>G on transcript NM_000452.3 (MANE Select); coding-DNA position 118, A replaced by G.
Protein change: p.Ile40Val; replaces isoleucine 40 with valine.
Molecular consequence: missense variant.
Genome position (GRCh38, 1-based): chr13:103,066,132, T>C on the plus strand (A>G on the coding strand, the complement: SLC10A2 is on the minus strand). VCF-style: chr13-103066132-T-C. GRCh37 (hg19) VCF-style: chr13-103718482-T-C.
Other names: p.Ile40Val; short protein forms I40V.
Identifiers: ClinVar variation 1694091 (VCV001694091.6), dbSNP rs1340667031, ClinGen allele CA388609458.